The following is an entry in ClinVar:

NM_006231.4(POLE):c.5676C>T (p.Ser1892=)

Gene: POLE (DNA polymerase epsilon, catalytic subunit; minus strand). Cytogenetic location: 12q24.33.
Variant type: single nucleotide variant.
Coding change: c.5676C>T on transcript NM_006231.4 (MANE Select); coding-DNA position 5676, C replaced by T.
Protein change: p.Ser1892=; no amino-acid change (serine 1892 retained).
Molecular consequence: synonymous variant.
Genome position (GRCh38, 1-based): chr12:132,638,016, G>A on the plus strand (C>T on the coding strand, the complement: POLE is on the minus strand). VCF-style: chr12-132638016-G-A. GRCh37 (hg19) VCF-style: chr12-133214602-G-A.
Other names: c.5676C>T (NM_006231.2).
Identifiers: ClinVar variation 1008494 (VCV001008494.9), dbSNP rs2042068018, ClinGen allele CA482726162.
Genomic context (GRCh38, chr12:132,638,016, plus strand): 5'-CATTTTAGCATCCCTCTCAAAGCCACAGTGCTGCGTCACCAGGACCAGCCAGCCGCACCT[G>A]CTGGTGATGTACTCCACGTAAGCGATGGCATCTTCCACACGGCGCTTCTTTGTACAGAGG-3'
Protein context (NP_006222.2, residues 1882-1902): DAIAYVEYIT[Ser1892=]SIHSKETFHS

ClinVar aggregate classification (germline): Uncertain significance. Review status: criteria provided, multiple submitters, no conflicts (2 of 4 stars). 2 submissions from 2 submitters: Uncertain significance (2). Last evaluated 2026-05-14.

Conditions:
Hereditary cancer-predisposing syndrome. Also called: Hereditary neoplastic syndrome; Neoplastic Syndromes, Hereditary; Tumor predisposition; Hereditary Cancer Syndrome. Identifiers: Orphanet 140162, MedGen C0027672, MeSH D009386, MONDO:0015356.

Submissions (2):

Ambry Genetics
Classification: Uncertain significance for Hereditary cancer-predisposing syndrome. Last evaluated: 2026-05-14. Review status: criteria provided, single submitter. Criteria: Ambry Variant Classification Scheme 2023. Collection method: clinical testing. Allele origin: germline.
Comment: The c.5676C>T variant (also known as p.S1892S), located in coding exon 41 of the POLE gene, results from a C to T substitution at nucleotide position 5676. This nucleotide substitution does not change the serine at codon 1892. This nucleotide position is highly conserved in available vertebrate species. In silico splice site analysis predicts that this alteration will result in the creation or strengthening of a novel splice donor site. Based on the available evidence, the clinical significance of this variant remains unclear.

Labcorp Genetics (formerly Invitae), Labcorp
Classification: Uncertain significance. Last evaluated: 2025-04-23. Review status: criteria provided, single submitter. Criteria: Invitae Variant Classification Sherloc (09022015). Collection method: clinical testing. Allele origin: germline.
Comment: This sequence change affects codon 1892 of the POLE mRNA. It is a 'silent' change, meaning that it does not change the encoded amino acid sequence of the POLE protein. This variant is not present in population databases (gnomAD no frequency). This variant has not been reported in the literature in individuals affected with POLE-related conditions. ClinVar contains an entry for this variant (Variation ID: 1008494). Algorithms developed to predict the effect of sequence changes on RNA splicing suggest that this variant may disrupt the consensus splice site. In summary, the available evidence is currently insufficient to determine the role of this variant in disease. Therefore, it has been classified as a Variant of Uncertain Significance.